The following is an entry in ClinVar:

NM_014991.6(WDFY3):c.8287C>T (p.Arg2763Ter)

Gene: WDFY3 (WD repeat and FYVE domain containing 3; minus strand). Cytogenetic location: 4q21.23.
Variant type: single nucleotide variant.
Coding change: c.8287C>T on transcript NM_014991.6 (MANE Select); coding-DNA position 8287, C replaced by T.
Protein change: p.Arg2763Ter; replaces arginine 2763 with a stop codon.
Molecular consequence: nonsense.
Genome position (GRCh38, 1-based): chr4:84,705,442, G>A on the plus strand (C>T on the coding strand, the complement: WDFY3 is on the minus strand). VCF-style: chr4-84705442-G-A. GRCh37 (hg19) VCF-style: chr4-85626595-G-A.
Other names: short protein forms R2763*.
Identifiers: ClinVar variation 1029337 (VCV001029337.1), dbSNP rs750764507, ClinGen allele CA2992419.

ClinVar aggregate classification (germline): Likely pathogenic (1 of 4 stars; one submission).

Conditions:
Microcephaly 18, primary, autosomal dominant (MCPH18). Identifiers: MedGen C4479608, MONDO:0054593, OMIM 617520.

Allele frequency attached by ClinVar (database versions not stated): ExAC 0.00001.
gnomAD v4.1: 1 of 1,613,964 alleles (0.000062%); highest among the groups gnomAD compares: Non-Finnish European, 0.000085%; no homozygotes.

Submission:

Baylor Genetics
Classification: Likely pathogenic for Microcephaly 18, primary, autosomal dominant. Last evaluated: 2019-08-03. Review status: criteria provided, single submitter. Criteria: ACMG Guidelines, 2015. Collection method: clinical testing. Allele origin: unknown. Affected: yes.
Comment: This variant was determined to be likely pathogenic according to ACMG Guidelines, 2015 [PMID:25741868].